The following is an entry in ClinVar:

NM_000187.4(HGD):c.898G>C (p.Val300Leu)

Gene: HGD (homogentisate 1,2-dioxygenase; minus strand). Cytogenetic location: 3q13.33.
Variant type: single nucleotide variant.
Coding change: c.898G>C on transcript NM_000187.4 (MANE Select); coding-DNA position 898, G replaced by C.
Protein change: p.Val300Leu; replaces valine 300 with leucine.
Molecular consequence: missense variant.
Genome position (GRCh38, 1-based): chr3:120,638,563, C>G on the plus strand (G>C on the coding strand, the complement: HGD is on the minus strand). VCF-style: chr3-120638563-C-G. GRCh37 (hg19) VCF-style: chr3-120357410-C-G.
Other names: short protein forms V300L.
Identifiers: ClinVar variation 1939335 (VCV001939335.5), dbSNP rs886905654, ClinGen allele CA354073736.

ClinVar aggregate classification (germline): Likely pathogenic (1 of 4 stars; one submission).

Conditions:
Alkaptonuria (AKU). Also called: Homogentisic acidura; Alkaptonuric ochronosis; HOMOGENTISIC ACID OXIDASE DEFICIENCY; Alcaptonuria. Identifiers: Orphanet 56, MedGen C0002066, MONDO:0008753, OMIM 203500.

gnomAD v4.1: 3 of 1,613,838 alleles (0.00019%); highest among the groups gnomAD compares: Admixed American, 0.0033%; no homozygotes.

Submission:

Labcorp Genetics (formerly Invitae), Labcorp
Classification: Likely pathogenic for Alkaptonuria. Last evaluated: 2021-12-11. Review status: criteria provided, single submitter. Criteria: Invitae Variant Classification Sherloc (09022015). Collection method: clinical testing. Allele origin: germline.
Comment: This sequence change replaces valine, which is neutral and non-polar, with leucine, which is neutral and non-polar, at codon 300 of the HGD protein (p.Val300Leu). This variant is not present in population databases (gnomAD no frequency). This variant has not been reported in the literature in individuals affected with HGD-related conditions. Advanced modeling of protein sequence and biophysical properties (such as structural, functional, and spatial information, amino acid conservation, physicochemical variation, residue mobility, and thermodynamic stability) performed at Invitae indicates that this missense variant is expected to disrupt HGD protein function. This variant disrupts the p.Val300 amino acid residue in HGD. Other variant(s) that disrupt this residue have been determined to be pathogenic (PMID: 8782815, 9529363, 10482952, 10970188, 19862842, 21720873). This suggests that this residue is clinically significant, and that variants that disrupt this residue are likely to be disease-causing. In summary, the currently available evidence indicates that the variant is pathogenic, but additional data are needed to prove that conclusively. Therefore, this variant has been classified as Likely Pathogenic.

Literature cited by the submitters: PubMed 8782815; PubMed 9529363; PubMed 10482952; PubMed 10970188; PubMed 19862842; PubMed 21720873.